The following is an entry in ClinVar:

ClinVar aggregate classification (germline): Uncertain significance (1 of 4 stars; one submission).

Submission:

Labcorp Genetics (formerly Invitae), Labcorp
Classification: Uncertain significance. Last evaluated: 2021-06-07. Review status: criteria provided, single submitter. Criteria: Invitae Variant Classification Sherloc (09022015). Collection method: clinical testing. Allele origin: germline.
Comment: In summary, the available evidence is currently insufficient to determine the role of this variant in disease. Therefore, it has been classified as a Variant of Uncertain Significance. Nucleotide substitutions within the consensus splice site are a relatively common cause of aberrant splicing (PMID: 17576681, 9536098). Algorithms developed to predict the effect of sequence changes on RNA splicing suggest that this variant is not likely to affect RNA splicing, but this prediction has not been confirmed by published transcriptional studies. This variant has not been reported in the literature in individuals with PCLO-related conditions. This variant is not present in population databases (ExAC no frequency). This sequence change falls in intron 23 of the PCLO gene. It does not directly change the encoded amino acid sequence of the PCLO protein. It affects a nucleotide within the consensus splice site of the intron.

Literature cited by the submitters: PubMed 17576681; PubMed 9536098.

NM_033026.6(PCLO):c.15142+5C>A

Gene: PCLO (piccolo presynaptic cytomatrix protein; minus strand). Cytogenetic location: 7q21.11.
Variant type: single nucleotide variant.
Coding change: c.15142+5C>A on transcript NM_033026.6 (MANE Select); 5 bases into the intron after coding-DNA position 15142, C replaced by A.
Molecular consequence: intron variant.
Genome position (GRCh38, 1-based): chr7:82,761,354, G>T on the plus strand (C>A on the coding strand, the complement: PCLO is on the minus strand). VCF-style: chr7-82761354-G-T. GRCh37 (hg19) VCF-style: chr7-82390670-G-T.
Identifiers: ClinVar variation 1357759 (VCV001357759.6), dbSNP rs2129467558, ClinGen allele CA2573142368.